The following is an entry in ClinVar:

NM_000183.3(HADHB):c.1064C>T (p.Pro355Leu)

Gene: HADHB (hydroxyacyl-CoA dehydrogenase trifunctional multienzyme complex subunit beta; plus strand). Cytogenetic location: 2p23.3.
Variant type: single nucleotide variant.
Coding change: c.1064C>T on transcript NM_000183.3 (MANE Select); coding-DNA position 1064, C replaced by T.
Protein change: p.Pro355Leu; replaces proline 355 with leucine.
Molecular consequence: missense variant.
Genome position (GRCh38, 1-based): chr2:26,284,119, C>T. VCF-style: chr2-26284119-C-T. GRCh37 (hg19) VCF-style: chr2-26506987-C-T.
Other names: c.1019C>T, p.Pro340Leu (NM_001281512.2); c.998C>T, p.Pro333Leu (NM_001281513.2); short protein forms P333L, P340L, P355L.
Identifiers: ClinVar variation 1305534 (VCV001305534.6), dbSNP rs2147831289, ClinGen allele CA346095504.

ClinVar aggregate classification (germline): Uncertain significance. Review status: criteria provided, multiple submitters, no conflicts (2 of 4 stars). 3 submissions from 3 submitters: Uncertain significance (3). Last evaluated 2025-05-05.

Conditions:
Mitochondrial trifunctional protein deficiency. Identifiers: Orphanet 746, MedGen C1969443, MONDO:0012172.
Inborn genetic diseases. Identifiers: MedGen C0950123, MeSH D030342.

Submissions (3):

Ambry Genetics
Classification: Uncertain significance for Inborn genetic diseases. Last evaluated: 2025-05-05. Review status: criteria provided, single submitter. Criteria: Ambry Variant Classification Scheme 2023. Collection method: clinical testing. Allele origin: germline.
Comment: The c.1064C>T (p.P355L) alteration is located in exon 13 (coding exon 12) of the HADHB gene. This alteration results from a C to T substitution at nucleotide position 1064, causing the proline (P) at amino acid position 355 to be replaced by a leucine (L). This variant was not reported in population-based cohorts in the Genome Aggregation Database (gnomAD). This amino acid position is highly conserved in available vertebrate species. This alteration is predicted to be deleterious by in silico analysis. Based on insufficient or conflicting evidence, the clinical significance of this alteration remains unclear.

Labcorp Genetics (formerly Invitae), Labcorp
Classification: Uncertain significance for Mitochondrial trifunctional protein deficiency. Last evaluated: 2025-01-15. Review status: criteria provided, single submitter. Criteria: Invitae Variant Classification Sherloc (09022015). Collection method: clinical testing. Allele origin: germline.
Comment: This sequence change replaces proline, which is neutral and non-polar, with leucine, which is neutral and non-polar, at codon 355 of the HADHB protein (p.Pro355Leu). This variant is not present in population databases (gnomAD no frequency). This variant has not been reported in the literature in individuals affected with HADHB-related conditions. ClinVar contains an entry for this variant (Variation ID: 1305534). An algorithm developed to predict the effect of missense changes on protein structure and function (PolyPhen-2) suggests that this variant is likely to be disruptive. In summary, the available evidence is currently insufficient to determine the role of this variant in disease. Therefore, it has been classified as a Variant of Uncertain Significance.

GeneDx
Classification: Uncertain significance. Last evaluated: 2020-02-04. Review status: criteria provided, single submitter. Criteria: GeneDx Variant Classification Process June 2021. Collection method: clinical testing. Allele origin: germline. Affected: yes.
Comment: Not observed in large population cohorts (Lek et al., 2016); In silico analysis, which includes protein predictors and evolutionary conservation, supports a deleterious effect; Has not been previously published as pathogenic or benign to our knowledge